The following is an entry in ClinVar:

NM_000138.5(FBN1):c.5517C>T (p.Tyr1839=)

Gene: FBN1 (fibrillin 1; minus strand). Cytogenetic location: 15q21.1.
Variant type: single nucleotide variant.
Coding change: c.5517C>T on transcript NM_000138.5 (MANE Select); coding-DNA position 5517, C replaced by T.
Protein change: p.Tyr1839=; no amino-acid change (tyrosine 1839 retained).
Molecular consequence: synonymous variant.
Genome position (GRCh38, 1-based): chr15:48,452,590, G>A on the plus strand (C>T on the coding strand, the complement: FBN1 is on the minus strand). VCF-style: chr15-48452590-G-A. GRCh37 (hg19) VCF-style: chr15-48744787-G-A.
Identifiers: ClinVar variation 922069 (VCV000922069.4), dbSNP rs750667880, ClinGen allele CA055112.
Genomic context (GRCh38, chr15:48,452,590, plus strand): 5'-TAGGCATGTCCAGCCTGTGGGGCACTACATACCATTGCACTGTCCTGTGGAGGTGAAGCG[G>A]TAGCCGGGCTTACAGTCACAGCGGTAGCTGCCTGCAGTGTTGATGCATTCGGCGTTGCGC-3'
Protein context (NP_000129.3, residues 1829-1849): GSYRCDCKPG[Tyr1839=]RFTSTGQCND

ClinVar aggregate classification (germline): Likely benign. Review status: criteria provided, multiple submitters, no conflicts (2 of 4 stars). 3 submissions from 3 submitters: Likely benign (3). Last evaluated 2024-02-05.

Conditions:
Familial thoracic aortic aneurysm and aortic dissection (TAAD). Also called: Thoracic aortic aneurysms and dissections. Identifiers: Orphanet 91387, MedGen C4707243, MONDO:0019625.
Marfan syndrome (MFS). Also called: Marfan syndrome, classic; Marfan syndrome type 1; Marfan's syndrome; FBN1-Related Marfan Syndrome; MARFAN SYNDROME, TYPE I. Identifiers: Orphanet 284963, Orphanet 558, MedGen C0024796, MONDO:0007947, OMIM 154700.

Allele frequency attached by ClinVar (database versions not stated): ExAC 0.00002; gnomAD exomes 0.00001 and 0.00003.
gnomAD v4.1: 20 of 1,614,180 alleles (0.0012%); highest among the groups gnomAD compares: South Asian, 0.021%; no homozygotes.

Submissions (3):

All of Us Research Program, National Institutes of Health
Classification: Likely benign for Marfan syndrome. Last evaluated: 2024-02-05. Review status: criteria provided, single submitter. Criteria: ACMG Guidelines, 2015. Collection method: clinical testing. Allele origin: germline. Inheritance: Autosomal dominant inheritance. Observed: 1 variant allele, 1 heterozygote.
Comment: This study involves interpretation of variants in research participants for the purpose of population health screening. Participant phenotype was not available at the time of variant classification. Additional details can be found in publication PMID: 35346344, PMCID: PMC8962531

Women's Health and Genetics/Laboratory Corporation of America, LabCorp
Classification: Likely benign. Last evaluated: 2023-08-15. Review status: criteria provided, single submitter. Criteria: LabCorp Variant Classification Summary - May 2015. Collection method: clinical testing. Allele origin: germline.

Color Diagnostics, LLC DBA Color Health
Classification: Likely benign for Familial thoracic aortic aneurysm and aortic dissection. Last evaluated: 2019-03-07. Review status: criteria provided, single submitter. Criteria: ACMG Guidelines, 2015. Collection method: clinical testing. Allele origin: germline.